The following is an entry in ClinVar:

NM_003079.5(SMARCE1):c.28C>T (p.Pro10Ser)

Gene: SMARCE1 (SWI/SNF related BAF chromatin remodeling complex subunit E1; minus strand). Cytogenetic location: 17q21.2.
Variant type: single nucleotide variant.
Coding change: c.28C>T on transcript NM_003079.5 (MANE Select); coding-DNA position 28, C replaced by T.
Protein change: p.Pro10Ser; replaces proline 10 with serine.
Molecular consequence: missense variant.
Genome position (GRCh38, 1-based): chr17:40,645,599, G>A on the plus strand (C>T on the coding strand, the complement: SMARCE1 is on the minus strand). VCF-style: chr17-40645599-G-A. GRCh37 (hg19) VCF-style: chr17-38801851-G-A.
Other names: short protein forms P10S.
Identifiers: ClinVar variation 580523 (VCV000580523.8), dbSNP rs1413469817, ClinGen allele CA399370975.

ClinVar aggregate classification (germline): Uncertain significance (1 of 4 stars; one submission).

Conditions:
Familial meningioma. Also called: Meningioma, familial, susceptibility to. Identifiers: Orphanet 263662, MedGen C3551915, MONDO:0011789, OMIM 607174.

Submission:

Labcorp Genetics (formerly Invitae), Labcorp
Classification: Uncertain significance for Familial meningioma. Last evaluated: 2018-05-30. Review status: criteria provided, single submitter. Criteria: Invitae Variant Classification Sherloc (09022015). Collection method: clinical testing. Allele origin: germline.
Comment: In summary, the available evidence is currently insufficient to determine the role of this variant in disease. Therefore, it has been classified as a Variant of Uncertain Significance. Algorithms developed to predict the effect of missense changes on protein structure and function are either unavailable or do not agree on the potential impact of this missense change (SIFT: "Tolerated"; PolyPhen-2: "Possibly Damaging"; Align-GVGD: "Class C0"). This variant has not been reported in the literature in individuals with SMARCE1-related disease. This variant is not present in population databases (ExAC no frequency). This sequence change replaces proline with serine at codon 10 of the SMARCE1 protein (p.Pro10Ser). The proline residue is moderately conserved and there is a moderate physicochemical difference between proline and serine.